The following is an entry in ClinVar:

NM_000138.5(FBN1):c.3263A>G (p.Asn1088Ser)

Gene: FBN1 (fibrillin 1; minus strand). Cytogenetic location: 15q21.1.
Variant type: single nucleotide variant.
Coding change: c.3263A>G on transcript NM_000138.5 (MANE Select); coding-DNA position 3263, A replaced by G.
Protein change: p.Asn1088Ser; replaces asparagine 1088 with serine.
Molecular consequence: missense variant.
Genome position (GRCh38, 1-based): chr15:48,488,187, T>C on the plus strand (A>G on the coding strand, the complement: FBN1 is on the minus strand). VCF-style: chr15-48488187-T-C. GRCh37 (hg19) VCF-style: chr15-48780384-T-C.
Other names: short protein forms N1088S.
Identifiers: ClinVar variation 549148 (VCV000549148.5), dbSNP rs1555398635, ClinGen allele CA392327401.

ClinVar aggregate classification (germline): Uncertain significance. Review status: criteria provided, single submitter (1 of 4 stars). 2 submissions from 2 submitters: Uncertain significance (1). 1 of the submissions does not count toward it. Last evaluated 2022-06-13.

Conditions:
Familial thoracic aortic aneurysm and aortic dissection (TAAD). Also called: Thoracic aortic aneurysms and dissections. Identifiers: Orphanet 91387, MedGen C4707243, MONDO:0019625.
Marfan syndrome (MFS). Also called: Marfan syndrome type 1; Marfan syndrome, classic; Marfan's syndrome; FBN1-Related Marfan Syndrome; MARFAN SYNDROME, TYPE I. Identifiers: Orphanet 284963, Orphanet 558, MedGen C0024796, MONDO:0007947, OMIM 154700.

Submissions (2):

Labcorp Genetics (formerly Invitae), Labcorp
Classification: Uncertain significance for Marfan syndrome; Familial thoracic aortic aneurysm and aortic dissection. Last evaluated: 2022-06-13. Review status: criteria provided, single submitter. Criteria: Invitae Variant Classification Sherloc (09022015). Collection method: clinical testing. Allele origin: germline.
Comment: In summary, the available evidence is currently insufficient to determine the role of this variant in disease. Therefore, it has been classified as a Variant of Uncertain Significance. Advanced modeling of protein sequence and biophysical properties (such as structural, functional, and spatial information, amino acid conservation, physicochemical variation, residue mobility, and thermodynamic stability) performed at Invitae indicates that this missense variant is expected to disrupt FBN1 protein function. ClinVar contains an entry for this variant (Variation ID: 549148). This missense change has been observed in individual(s) with Marfan syndrome (PMID: 21907952). This variant is not present in population databases (gnomAD no frequency). This sequence change replaces asparagine, which is neutral and polar, with serine, which is neutral and polar, at codon 1088 of the FBN1 protein (p.Asn1088Ser).

Center for Medical Genetics Ghent, University of Ghent
Classification: Uncertain significance for Marfan syndrome. Last evaluated: 2017-11-07. Review status: no assertion criteria provided. Collection method: clinical testing. Allele origin: germline. Affected: yes. Not counted in ClinVar's aggregate classification.

Literature cited by the submitters: PubMed 21907952 (cited by Labcorp Genetics (formerly Invitae), Labcorp).